The following is an entry in ClinVar:

ClinVar aggregate classification (germline): Uncertain significance (1 of 4 stars; one submission).

Allele frequency attached by ClinVar (database versions not stated): gnomAD exomes below 0.00001.
gnomAD v4.1: 1 of 1,611,040 alleles (0.000062%); highest among the groups gnomAD compares: Non-Finnish European, 0.000085%; no homozygotes.

Submission:

Labcorp Genetics (formerly Invitae), Labcorp
Classification: Uncertain significance. Last evaluated: 2022-04-23. Review status: criteria provided, single submitter. Criteria: Invitae Variant Classification Sherloc (09022015). Collection method: clinical testing. Allele origin: germline.
Comment: This sequence change replaces leucine, which is neutral and non-polar, with proline, which is neutral and non-polar, at codon 416 of the DEF6 protein (p.Leu416Pro). In summary, the available evidence is currently insufficient to determine the role of this variant in disease. Therefore, it has been classified as a Variant of Uncertain Significance. Algorithms developed to predict the effect of missense changes on protein structure and function are either unavailable or do not agree on the potential impact of this missense change (SIFT: "Tolerated"; PolyPhen-2: "Possibly Damaging"; Align-GVGD: "Class C0"). This variant has not been reported in the literature in individuals affected with DEF6-related conditions. This variant is not present in population databases (gnomAD no frequency).

NM_022047.4(DEF6):c.1247T>C (p.Leu416Pro)

Gene: DEF6 (DEF6 guanine nucleotide exchange factor; plus strand). Cytogenetic location: 6p21.31.
Variant type: single nucleotide variant.
Coding change: c.1247T>C on transcript NM_022047.4 (MANE Select); coding-DNA position 1247, T replaced by C.
Protein change: p.Leu416Pro; replaces leucine 416 with proline.
Molecular consequence: missense variant.
Genome position (GRCh38, 1-based): chr6:35,319,555, T>C. VCF-style: chr6-35319555-T-C. GRCh37 (hg19) VCF-style: chr6-35287332-T-C.
Other names: short protein forms L416P.
Identifiers: ClinVar variation 1963776 (VCV001963776.5), dbSNP rs2534191863, ClinGen allele CA363767768.